The following is an entry in ClinVar:

NM_004260.4(RECQL4):c.1570C>A (p.Pro524Thr)

Gene: RECQL4 (RecQ like helicase 4; minus strand). Cytogenetic location: 8q24.3.
Variant type: single nucleotide variant.
Coding change: c.1570C>A on transcript NM_004260.4 (MANE Select); coding-DNA position 1570, C replaced by A.
Protein change: p.Pro524Thr; replaces proline 524 with threonine.
Molecular consequence: missense variant.
Genome position (GRCh38, 1-based): chr8:144,514,986, G>T on the plus strand (C>A on the coding strand, the complement: RECQL4 is on the minus strand). VCF-style: chr8-144514986-G-T. GRCh37 (hg19) VCF-style: chr8-145740370-G-T.
Other names: c.1570C>A (NM_004260.3); c.1474C>A, p.Pro492Thr (NM_001413017.1, NM_001413020.1); c.1570C>A, p.Pro524Thr (NM_001413018.1, NM_001413019.1, NM_001413033.1 and 1 more transcripts); c.499C>A, p.Pro167Thr (NM_001413021.1, NM_001413022.1, NM_001413023.1 and 7 more transcripts); c.1441C>A, p.Pro481Thr (NM_001413025.1); c.433C>A, p.Pro145Thr (NM_001413027.1, NM_001413030.1, NM_001413031.1 and 2 more transcripts); c.1219C>A, p.Pro407Thr (NM_001413029.1); c.1540C>A, p.Pro514Thr (NM_001413039.1); and 2 more; short protein forms P145T, P167T, P157T, P35T, P514T, P524T, P492T, P407T.
Identifiers: ClinVar variation 2113686 (VCV002113686.5), dbSNP rs374965803, ClinGen allele CA372683680.
Genomic context (GRCh38, chr8:144,514,986, plus strand): 5'-GTGTGCACACCTGGTCATCCATGAGTGACAGCAGGGGAGAGACGACCAACGTGAGGCAGG[G>T]GCTGCGCCGGCTGTAGAGCAGCGCTGGGAGCTGGTAGCACAGGGACTTGCCGGCACCTGT-3'
Protein context (NP_004251.4, residues 514-534): LPALLYSRRS[Pro524Thr]CLTLVVSPLL

ClinVar aggregate classification (germline): Uncertain significance. Review status: criteria provided, multiple submitters, no conflicts (2 of 4 stars). 2 submissions from 2 submitters: Uncertain significance (2). Last evaluated 2025-03-22.

Conditions:
Inborn genetic diseases. Identifiers: MedGen C0950123, MeSH D030342.
Baller-Gerold syndrome (BGS). Also called: CRANIOSYNOSTOSIS WITH RADIAL DEFECTS. Identifiers: Orphanet 1225, MedGen C0265308, MONDO:0009039, OMIM 218600.

Submissions (2):

Ambry Genetics
Classification: Uncertain significance for Inborn genetic diseases. Last evaluated: 2025-03-22. Review status: criteria provided, single submitter. Criteria: Ambry Variant Classification Scheme 2023. Collection method: clinical testing. Allele origin: germline.
Comment: The p.P524T variant (also known as c.1570C>A), located in coding exon 9 of the RECQL4 gene, results from a C to A substitution at nucleotide position 1570. The proline at codon 524 is replaced by threonine, an amino acid with highly similar properties. This amino acid position is conserved. In addition, this alteration is predicted to be tolerated by in silico analysis. Based on the available evidence, the clinical significance of this variant remains unclear.

Labcorp Genetics (formerly Invitae), Labcorp
Classification: Uncertain significance for Baller-Gerold syndrome. Last evaluated: 2023-09-17. Review status: criteria provided, single submitter. Criteria: Invitae Variant Classification Sherloc (09022015). Collection method: clinical testing. Allele origin: germline.
Comment: In summary, the available evidence is currently insufficient to determine the role of this variant in disease. Therefore, it has been classified as a Variant of Uncertain Significance. Advanced modeling of protein sequence and biophysical properties (such as structural, functional, and spatial information, amino acid conservation, physicochemical variation, residue mobility, and thermodynamic stability) performed at Invitae indicates that this missense variant is not expected to disrupt RECQL4 protein function. ClinVar contains an entry for this variant (Variation ID: 2113686). This variant has not been reported in the literature in individuals affected with RECQL4-related conditions. This variant is not present in population databases (gnomAD no frequency). This sequence change replaces proline, which is neutral and non-polar, with threonine, which is neutral and polar, at codon 524 of the RECQL4 protein (p.Pro524Thr).